The following is an entry in ClinVar:

NM_152513.4(MEI1):c.2667C>A (p.Ile889=)

Gene: MEI1 (meiotic double-stranded break formation protein 1; plus strand). Cytogenetic location: 22q13.2.
Variant type: single nucleotide variant.
Coding change: c.2667C>A on transcript NM_152513.4 (MANE Select); coding-DNA position 2667, C replaced by A.
Protein change: p.Ile889=; no amino-acid change (isoleucine 889 retained).
Molecular consequence: synonymous variant.
Genome position (GRCh38, 1-based): chr22:41,776,224, C>A. VCF-style: chr22-41776224-C-A. GRCh37 (hg19) VCF-style: chr22-42172228-C-A.
Identifiers: ClinVar variation 3033160 (VCV003033160.2), dbSNP rs373012181, ClinGen allele CA10260591.

ClinVar aggregate classification (germline): Likely benign (0 of 4 stars; one submission).

Conditions:
MEI1-related disorder. Also called: MEI1-related condition.

Allele frequency attached by ClinVar (database versions not stated): ExAC 0.00009; ESP Exome Variant Server 0.00032; gnomAD 0.00035; TOPMed 0.00042; 1000 Genomes Project 30x 0.00109; 1000 Genomes Project 0.00120.
gnomAD v4.1: 98 of 1,613,976 alleles (0.0061%); highest among the groups gnomAD compares: African/African-American, 0.12%; 1 homozygote.

Submission:

PreventionGenetics, part of Exact Sciences
Classification: Likely benign for MEI1-related condition. Last evaluated: 2019-02-24. Review status: no assertion criteria provided. Collection method: clinical testing. Allele origin: germline.
Comment: This variant is classified as likely benign based on ACMG/AMP sequence variant interpretation guidelines (Richards et al. 2015 PMID: 25741868, with internal and published modifications).